The following is an entry in ClinVar:

ClinVar aggregate classification (germline): Pathogenic. Review status: criteria provided, multiple submitters, no conflicts (2 of 4 stars). 2 submissions from 2 submitters: Pathogenic (2). Last evaluated 2022-10-13.

Conditions:
Hereditary cancer-predisposing syndrome. Also called: Neoplastic Syndromes, Hereditary; Tumor predisposition; Hereditary neoplastic syndrome; Hereditary Cancer Syndrome. Identifiers: Orphanet 140162, MedGen C0027672, MeSH D009386, MONDO:0015356.
Familial cancer of breast. Also called: hereditary breast carcinoma; Hereditary breast cancer; BREAST CANCER, FAMILIAL. Identifiers: Orphanet 227535, MedGen C0346153, MONDO:0016419, OMIM 114480. Disease mechanism: loss of function.

Submissions (2):

Labcorp Genetics (formerly Invitae), Labcorp
Classification: Pathogenic for Familial cancer of breast. Last evaluated: 2022-10-13. Review status: criteria provided, single submitter. Criteria: Invitae Variant Classification Sherloc (09022015). Collection method: clinical testing. Allele origin: germline.
Comment: This sequence change creates a premature translational stop signal (p.Tyr551Serfs*26) in the PALB2 gene. It is expected to result in an absent or disrupted protein product. Loss-of-function variants in PALB2 are known to be pathogenic (PMID: 17200668, 17200671, 17200672, 24136930, 25099575). This variant is not present in population databases (gnomAD no frequency). This variant has not been reported in the literature in individuals affected with PALB2-related conditions. For these reasons, this variant has been classified as Pathogenic.

Ambry Genetics
Classification: Pathogenic for Hereditary cancer-predisposing syndrome. Last evaluated: 2020-09-21. Review status: criteria provided, single submitter. Criteria: Ambry Variant Classification Scheme 2023. Collection method: clinical testing. Allele origin: germline.
Comment: The c.1652_1653delAT pathogenic mutation, located in coding exon 4 of the PALB2 gene, results from a deletion of two nucleotides at nucleotide positions 1652 to 1653, causing a translational frameshift with a predicted alternate stop codon (p.Y551Sfs*26). This alteration is expected to result in loss of function by premature protein truncation or nonsense-mediated mRNA decay. As such, this alteration is interpreted as a disease-causing mutation.

Literature cited by the submitters: PubMed 17200668 (cited by Labcorp Genetics (formerly Invitae), Labcorp); PubMed 17200671 (cited by Labcorp Genetics (formerly Invitae), Labcorp); PubMed 17200672 (cited by Labcorp Genetics (formerly Invitae), Labcorp); PubMed 24136930 (cited by Labcorp Genetics (formerly Invitae), Labcorp); PubMed 25099575 (cited by Labcorp Genetics (formerly Invitae), Labcorp).

NM_024675.4(PALB2):c.1652_1653del (p.Tyr551fs)

Gene: PALB2 (partner and localizer of BRCA2; minus strand). Cytogenetic location: 16p12.2.
Variant type: Microsatellite.
Coding change: c.1652_1653del on transcript NM_024675.4 (MANE Select); coding-DNA positions 1652 to 1653, 2 bases deleted (AT; older notation c.1652_1653delAT).
Protein change: p.Tyr551fs; shifts the reading frame from tyrosine 551.
Molecular consequence: frameshift variant.
Genome position (GRCh38, 1-based): chr16:23,634,893-23,634,894, AT deleted on the plus strand (AT on the coding strand, the reverse complement: PALB2 is on the minus strand); deleting any 2 consecutive bases within chr16:23,634,893-23,634,896 gives the same sequence; the c. name uses the placement nearest the transcript's 3' end. VCF-style (leftmost placement, unchanged base first): chr16-23634892-GAT-G. GRCh37 (hg19) VCF-style: chr16-23646213-GAT-G.
Other names: short protein forms Y551fs.
Identifiers: ClinVar variation 1351138 (VCV001351138.9), dbSNP rs2142410052, ClinGen allele CA2580612741.
Genomic context (GRCh38, chr16:23,634,892, plus strand): 5'-ATCATCATCATCAAACACATCTTGATTTACCTTTCACTTGAATAAATAATTTTTCGTGCT[GAT>G]ATTTGTGTGAGGTGACTTCTTCCTTGGACCTGTTAACAATCGACAGGCTAGAAGTTGGCA-3'